The following is an entry in ClinVar:

ClinVar aggregate classification (germline): Uncertain significance (1 of 4 stars; one submission).

Conditions:
Malignant hyperthermia, susceptibility to, 5 (MHS5). Also called: CACNA1S-Related Malignant Hyperthermia Susceptibility. Identifiers: Orphanet 423, MedGen C1866077, MONDO:0011163, OMIM 601887.

Allele frequency attached by ClinVar (database versions not stated): TOPMed below 0.00001.

Submission:

All of Us Research Program, National Institutes of Health
Classification: Uncertain significance for Malignant hyperthermia, susceptibility to, 5. Last evaluated: 2023-12-18. Review status: criteria provided, single submitter. Criteria: ACMG Guidelines, 2015. Collection method: clinical testing. Allele origin: germline. Inheritance: Autosomal dominant inheritance. Observed: 1 variant allele, 1 heterozygote.
Comment: This missense variant replaces glycine with valine at codon 1211 of the CACNA1S protein. Computational prediction suggests that this variant may have deleterious impact on protein structure and function (internally defined REVEL score threshold >= 0.7, PMID: 27666373). To our knowledge, functional studies have not been reported for this variant. This variant has not been reported in individuals affected with CACNA1S-related disorders in the literature. This variant has been identified in 1/250316 chromosomes in the general population by the Genome Aggregation Database (gnomAD). The available evidence is insufficient to determine the role of this variant in disease conclusively. Therefore, this variant is classified as a Variant of Uncertain Significance.

This study involves interpretation of variants in research participants for the purpose of population health screening. Participant phenotype was not available at the time of variant classification. Additional details can be found in publication PMID: 35346344, PMCID: PMC8962531

NM_000069.3(CACNA1S):c.3632G>T (p.Gly1211Val)

Gene: CACNA1S (calcium voltage-gated channel subunit alpha1 S; minus strand). Cytogenetic location: 1q32.1.
Variant type: single nucleotide variant.
Coding change: c.3632G>T on transcript NM_000069.3 (MANE Select); coding-DNA position 3632, G replaced by T.
Protein change: p.Gly1211Val; replaces glycine 1211 with valine.
Molecular consequence: missense variant.
Genome position (GRCh38, 1-based): chr1:201,054,539, C>A on the plus strand (G>T on the coding strand, the complement: CACNA1S is on the minus strand). VCF-style: chr1-201054539-C-A. GRCh37 (hg19) VCF-style: chr1-201023667-C-A.
Other names: short protein forms G1211V.
Identifiers: ClinVar variation 3075074 (VCV003075074.1), dbSNP rs758583828, ClinGen allele CA082681.
Genomic context (GRCh38, chr1:201,054,539, plus strand): 5'-GGCAGGCTCGTGCAGCCTGAAATTACAACGTTCCCGCAGCCTCCACCCAGGCAATACAGT[C>A]CCCCGCTGGAGGCCAGGAAAGTCTGTGGAGAAAAGAGACGAAGGGAGGGGAAGGAGAGGA-3'
Protein context (NP_000060.2, residues 1201-1221): EIDTFLASSG[Gly1211Val]LYCLGGGCGN